The following is an entry in ClinVar:

NM_001204.7(BMPR2):c.1361C>T (p.Ser454Phe)

Gene: BMPR2 (bone morphogenetic protein receptor type 2; plus strand). Cytogenetic location: 2q33.2.
Variant type: single nucleotide variant.
Coding change: c.1361C>T on transcript NM_001204.7 (MANE Select); coding-DNA position 1361, C replaced by T.
Protein change: p.Ser454Phe; replaces serine 454 with phenylalanine.
Molecular consequence: missense variant.
Genome position (GRCh38, 1-based): chr2:202,542,395, C>T. VCF-style: chr2-202542395-C-T. GRCh37 (hg19) VCF-style: chr2-203407118-C-T.
Other names: short protein forms S454F.
Identifiers: ClinVar variation 1303232 (VCV001303232.6), dbSNP rs1347010932, ClinGen allele CA350342921.

ClinVar aggregate classification (germline): Uncertain significance. Review status: criteria provided, multiple submitters, no conflicts (2 of 4 stars). 3 submissions from 3 submitters: Uncertain significance (2). 1 of the submissions does not count toward it. Last evaluated 2025-02-02.

Conditions:
Primary pulmonary hypertension. Also called: Idiopathic pulmonary hypertension. Identifiers: MedGen C0152171.
Pulmonary arterial hypertension. Identifiers: Orphanet 182090, MedGen C2973725, MeSH D000081029, MONDO:0015924, HP:0002092.
Idiopathic and/or familial pulmonary arterial hypertension. Identifiers: Orphanet 422, MedGen C5679820, MONDO:0008347.

Allele frequency attached by ClinVar (database versions not stated): TOPMed below 0.00001; gnomAD exomes below 0.00001.
gnomAD v4.1: 5 of 1,613,980 alleles (0.00031%); highest among the groups gnomAD compares: Non-Finnish European, 0.00042%; no homozygotes.

Submissions (3):

Labcorp Genetics (formerly Invitae), Labcorp
Classification: Uncertain significance for Primary pulmonary hypertension. Last evaluated: 2025-02-02. Review status: criteria provided, single submitter. Criteria: Invitae Variant Classification Sherloc (09022015). Collection method: clinical testing. Allele origin: germline.
Comment: This sequence change replaces serine, which is neutral and polar, with phenylalanine, which is neutral and non-polar, at codon 454 of the BMPR2 protein (p.Ser454Phe). This variant is present in population databases (no rsID available, gnomAD 0.0009%). This missense change has been observed in individuals with pulmonary hypertension (PMID: 31727138; internal data). ClinVar contains an entry for this variant (Variation ID: 1303232). Invitae Evidence Modeling of protein sequence and biophysical properties (such as structural, functional, and spatial information, amino acid conservation, physicochemical variation, residue mobility, and thermodynamic stability) has been performed for this missense variant. However, the output from this modeling did not meet the statistical confidence thresholds required to predict the impact of this variant on BMPR2 protein function. In summary, the available evidence is currently insufficient to determine the role of this variant in disease. Therefore, it has been classified as a Variant of Uncertain Significance.

GeneDx
Classification: Uncertain significance. Last evaluated: 2021-03-18. Review status: criteria provided, single submitter. Criteria: GeneDx Variant Classification Process June 2021. Collection method: clinical testing. Allele origin: germline. Affected: yes.
Comment: Identified in two patients with idiopathic PAH in the published literature (Zhu et al., 2019); Not observed at a significant frequency in large population cohorts (Lek et al., 2016); In silico analysis supports that this missense variant has a deleterious effect on protein structure/function; This variant is associated with the following publications: (PMID: 31727138)

Wendy Chung Laboratory, Boston Children's Hospital
No classification provided. Condition: Idiopathic and/or familial pulmonary arterial hypertension. Review status: no classification provided. Collection method: literature only. Allele origin: germline. Affected: yes. Not counted in ClinVar's aggregate classification.

Literature cited by the submitters: PubMed 31727138 (cited by Labcorp Genetics (formerly Invitae), Labcorp and Wendy Chung Laboratory, Boston Children's Hospital).